The following is an entry in ClinVar:

ClinVar aggregate classification (germline): Uncertain significance (1 of 4 stars; one submission).

Conditions:
Bethlem myopathy 1A. Also called: Bethlem myopathy 1; Bethlem Muscular Dystrophy; MYOPATHY, BENIGN CONGENITAL, WITH CONTRACTURES. Identifiers: Orphanet 610, MedGen CN029274, MONDO:0024530, OMIM 158810.

gnomAD v4.1: 4 of 1,614,214 alleles (0.00025%); highest among the groups gnomAD compares: Non-Finnish European, 0.00034%; no homozygotes.

Submission:

Labcorp Genetics (formerly Invitae), Labcorp
Classification: Uncertain significance for Bethlem myopathy 1A. Last evaluated: 2025-04-14. Review status: criteria provided, single submitter. Criteria: Invitae Variant Classification Sherloc (09022015). Collection method: clinical testing. Allele origin: germline.
Comment: This sequence change replaces alanine, which is neutral and non-polar, with proline, which is neutral and non-polar, at codon 2755 of the COL6A3 protein (p.Ala2755Pro). This variant is present in population databases (no rsID available, gnomAD 0.0009%). This variant has not been reported in the literature in individuals affected with COL6A3-related conditions. Invitae Evidence Modeling of protein sequence and biophysical properties (such as structural, functional, and spatial information, amino acid conservation, physicochemical variation, residue mobility, and thermodynamic stability) indicates that this missense variant is not expected to disrupt COL6A3 protein function with a negative predictive value of 80%. In summary, the available evidence is currently insufficient to determine the role of this variant in disease. Therefore, it has been classified as a Variant of Uncertain Significance.

NM_004369.4(COL6A3):c.8263G>C (p.Ala2755Pro)

Gene: COL6A3 (collagen type VI alpha 3 chain; minus strand). Cytogenetic location: 2q37.3.
Variant type: single nucleotide variant.
Coding change: c.8263G>C on transcript NM_004369.4 (MANE Select); coding-DNA position 8263, G replaced by C.
Protein change: p.Ala2755Pro; replaces alanine 2755 with proline.
Molecular consequence: missense variant.
Genome position (GRCh38, 1-based): chr2:237,340,653, C>G on the plus strand (G>C on the coding strand, the complement: COL6A3 is on the minus strand). VCF-style: chr2-237340653-C-G. GRCh37 (hg19) VCF-style: chr2-238249296-C-G.
Other names: c.6442G>C, p.Ala2148Pro (NM_057166.5); c.7645G>C, p.Ala2549Pro (NM_057167.4); short protein forms A2148P, A2549P, A2755P.
Identifiers: ClinVar variation 4748359 (VCV004748359.1).
Genomic context (GRCh38, chr2:237,340,653, plus strand): 5'-CAATGCCCAGGACCACGAAGAAGTAGCCCTTGCATTTGGCCTGCAGGATGACTCTCTGGG[C>G]CTCCTCCAGCTGCTGCTCCGGCACCTCGCCCGTCAGCATCAGGACCACAATTTTCAGGTC-3'
Protein context (NP_004360.2, residues 2745-2765): GEVPEQQLEE[Ala2755Pro]QRVILQAKCK